The following is an entry in ClinVar:

NM_006030.4(CACNA2D2):c.2008A>G (p.Ser670Gly)

Gene: CACNA2D2 (calcium voltage-gated channel auxiliary subunit alpha2delta 2; minus strand). Cytogenetic location: 3p21.31.
Variant type: single nucleotide variant.
Coding change: c.2008A>G on transcript NM_006030.4 (MANE Select); coding-DNA position 2008, A replaced by G.
Protein change: p.Ser670Gly; replaces serine 670 with glycine.
Molecular consequence: missense variant.
Genome position (GRCh38, 1-based): chr3:50,370,357, T>C on the plus strand (A>G on the coding strand, the complement: CACNA2D2 is on the minus strand). VCF-style: chr3-50370357-T-C. GRCh37 (hg19) VCF-style: chr3-50407788-T-C.
Other names: c.2008A>G, p.Ser670Gly (NM_001005505.3); c.2029A>G, p.Ser677Gly (NM_001174051.3); c.1801A>G, p.Ser601Gly (NM_001291101.1); short protein forms S670G, S601G, S677G.
Identifiers: ClinVar variation 1414012 (VCV001414012.9), dbSNP rs1325283647, ClinGen allele CA352918973.

ClinVar aggregate classification (germline): Uncertain significance (1 of 4 stars; one submission).

Conditions:
Early-infantile DEE. Also called: Early infantile epileptic encephalopathy; Ohtahara syndrome; Early infantile epileptic encephalopathy with suppression bursts. Identifiers: Orphanet 1934, MedGen C0393706, MONDO:0800491.

Allele frequency attached by ClinVar (database versions not stated): TOPMed below 0.00001; gnomAD 0.00001.

Submission:

Labcorp Genetics (formerly Invitae), Labcorp
Classification: Uncertain significance for Early-infantile DEE. Last evaluated: 2022-03-19. Review status: criteria provided, single submitter. Criteria: Invitae Variant Classification Sherloc (09022015). Collection method: clinical testing. Allele origin: germline.
Comment: In summary, the available evidence is currently insufficient to determine the role of this variant in disease. Therefore, it has been classified as a Variant of Uncertain Significance. Algorithms developed to predict the effect of missense changes on protein structure and function are either unavailable or do not agree on the potential impact of this missense change (SIFT: "Deleterious"; PolyPhen-2: "Benign"; Align-GVGD: "Class C0"). This variant has not been reported in the literature in individuals affected with CACNA2D2-related conditions. This variant is present in population databases (no rsID available, gnomAD 0.01%). This sequence change replaces serine, which is neutral and polar, with glycine, which is neutral and non-polar, at codon 670 of the CACNA2D2 protein (p.Ser670Gly).